The following is an entry in ClinVar:

ClinVar aggregate classification (germline): Conflicting classifications of pathogenicity. Review status: criteria provided, conflicting classifications (1 of 4 stars). 3 submissions from 3 submitters: Uncertain significance (2); Likely benign (1). Last evaluated 2025-10-26.

Conditions:
Legius syndrome. Identifiers: Orphanet 137605, MedGen C1969623, MONDO:0012669, OMIM 611431. Disease mechanism: loss of function.

Allele frequency attached by ClinVar (database versions not stated): gnomAD exomes 0.00001 and 0.00002; ExAC 0.00002; gnomAD 0.00006; TOPMed 0.00010; ESP Exome Variant Server 0.00015.
gnomAD v4.1: 19 of 1,613,992 alleles (0.0012%); highest among the groups gnomAD compares: African/African-American, 0.024%; no homozygotes.

Submissions (3):

Labcorp Genetics (formerly Invitae), Labcorp
Classification: Likely benign for Legius syndrome. Last evaluated: 2025-10-26. Review status: criteria provided, single submitter. Criteria: Invitae Variant Classification Sherloc (09022015). Collection method: clinical testing. Allele origin: germline.

St. Jude Molecular Pathology, St. Jude Children's Research Hospital
Classification: Uncertain significance for Legius syndrome. Last evaluated: 2022-09-09. Review status: criteria provided, single submitter. Criteria: St. Jude Assertion Criteria 2020. Collection method: clinical testing. Allele origin: germline.
Comment: The SPRED1 c.1273A>G (p.Met425Val) missense change has a maximum subpopulation frequency of 0.028% in gnomAD v2.1.1. The in silico tool REVEL predicts a benign effect on protein function, but to our knowledge this prediction has not been confirmed by functional studies. This variant has been reported in the literature in an individual presumed to have Legius syndrome (PMID: 22753041). In summary, the evidence currently available is insufficient to determine the clinical significance of this variant. It has therefore been classified as of uncertain significance.

GeneDx
Classification: Uncertain significance. Last evaluated: 2021-05-17. Review status: criteria provided, single submitter. Criteria: GeneDx Variant Classification Process June 2021. Collection method: clinical testing. Allele origin: germline. Affected: yes.
Comment: In silico analysis supports that this missense variant does not alter protein structure/function; Has not been previously published as pathogenic or benign to our knowledge

NM_152594.3(SPRED1):c.1273A>G (p.Met425Val)

Gene: SPRED1 (sprouty related EVH1 domain containing 1; plus strand). Cytogenetic location: 15q14.
Variant type: single nucleotide variant.
Coding change: c.1273A>G on transcript NM_152594.3 (MANE Select); coding-DNA position 1273, A replaced by G.
Protein change: p.Met425Val; replaces methionine 425 with valine.
Molecular consequence: missense variant.
Genome position (GRCh38, 1-based): chr15:38,351,602, A>G. VCF-style: chr15-38351602-A-G. GRCh37 (hg19) VCF-style: chr15-38643803-A-G.
Other names: short protein forms M425V.
Identifiers: ClinVar variation 1326221 (VCV001326221.10), dbSNP rs368307475, ClinGen allele CA7470256.
Genomic context (GRCh38, chr15:38,351,602, plus strand): 5'-TTAGCCCTGGTAGCTTTGTCTTTCATTGTACCATGTATGTGCTGCTACGTCCCTTTGAGA[A>G]TGTGCCATCGCTGTGGTGAGGCATGTGGTTGCTGTGGTGGGAAACATAAAGCTGCTGGAT-3'
Protein context (NP_689807.1, residues 415-435): PCMCCYVPLR[Met425Val]CHRCGEACGC